The following is an entry in ClinVar:

ClinVar aggregate classification (germline): Conflicting classifications of pathogenicity. Review status: criteria provided, conflicting classifications (1 of 4 stars). 3 submissions from 3 submitters: Uncertain significance (2); Likely benign (1). Last evaluated 2023-05-21.

Conditions:
Hereditary cancer-predisposing syndrome. Also called: Tumor predisposition; Hereditary neoplastic syndrome; Neoplastic Syndromes, Hereditary; Hereditary Cancer Syndrome. Identifiers: Orphanet 140162, MedGen C0027672, MeSH D009386, MONDO:0015356.
Hereditary breast ovarian cancer syndrome. Also called: Hereditary breast and ovarian cancer; Breast and ovarian cancer; Hereditary breast and ovarian cancer syndrome (HBOC); Hereditary breast and/or ovarian cancer syndrome; Hereditary breast and ovarian cancer syndrome; BRCA1- and BRCA2-Associated Hereditary Breast and Ovarian Cancer. Identifiers: Orphanet 145, MedGen C0677776, MeSH D061325, MONDO:0003582. Disease mechanism: loss of function.

Allele frequency attached by ClinVar (database versions not stated): gnomAD exomes below 0.00001.

Submissions (3):

Labcorp Genetics (formerly Invitae), Labcorp
Classification: Uncertain significance for Hereditary breast ovarian cancer syndrome. Last evaluated: 2023-05-21. Review status: criteria provided, single submitter. Criteria: Invitae Variant Classification Sherloc (09022015). Collection method: clinical testing. Allele origin: germline.
Comment: This variant is present in population databases (rs587780794, gnomAD 0.0009%). In summary, the available evidence is currently insufficient to determine the role of this variant in disease. Therefore, it has been classified as a Variant of Uncertain Significance. Advanced modeling of protein sequence and biophysical properties (such as structural, functional, and spatial information, amino acid conservation, physicochemical variation, residue mobility, and thermodynamic stability) performed at Invitae indicates that this missense variant is not expected to disrupt BRCA1 protein function. ClinVar contains an entry for this variant (Variation ID: 136078). This variant has not been reported in the literature in individuals affected with BRCA1-related conditions. This sequence change replaces histidine, which is basic and polar, with arginine, which is basic and polar, at codon 399 of the BRCA1 protein (p.His399Arg).

University of Washington Department of Laboratory Medicine, University of Washington
Classification: Likely benign for Hereditary cancer-predisposing syndrome. Last evaluated: 2023-03-23. Review status: criteria provided, single submitter. Criteria: Dines et al. (Genet Med. 2020). Collection method: curation. Allele origin: germline.
Comment: Missense variant in a coldspot region where missense variants are very unlikely to be pathogenic (PMID:31911673).

BRCA1 coldspot (exon 11 using historical exon numbering). Reclassification based on statistical prior probability

Ambry Genetics
Classification: Uncertain significance for Hereditary cancer-predisposing syndrome. Last evaluated: 2017-04-21. Review status: criteria provided, single submitter. Criteria: Ambry Variant Classification Scheme 2023. Collection method: clinical testing. Allele origin: germline.
Comment: The p.H399R variant (also known as c.1196A>G), located in coding exon 9 of the BRCA1 gene, results from an A to G substitution at nucleotide position 1196. The histidine at codon 399 is replaced by arginine, an amino acid with highly similar properties. This amino acid position is poorly conserved in available vertebrate species. In addition, the in silico prediction for this alteration is inconclusive. Since supporting evidence is limited at this time, the clinical significance of this alteration remains unclear.

NM_007294.4(BRCA1):c.1196A>G (p.His399Arg)

Gene: BRCA1 (BRCA1 DNA repair associated; minus strand). Cytogenetic location: 17q21.31.
Variant type: single nucleotide variant.
Coding change: c.1196A>G on transcript NM_007294.4 (MANE Select); coding-DNA position 1196, A replaced by G.
Protein change: p.His399Arg; replaces histidine 399 with arginine.
Molecular consequence: missense variant. On other transcripts: intron variant (137).
Genome position (GRCh38, 1-based): chr17:43,094,335, T>C on the plus strand (A>G on the coding strand, the complement: BRCA1 is on the minus strand). VCF-style: chr17-43094335-T-C. GRCh37 (hg19) VCF-style: chr17-41246352-T-C.
Other names: c.1055A>G, p.His352Arg (NM_001407725.1, NM_001407729.1, NM_001407726.1 and 29 more transcripts); c.787+409A>G (NM_001408472.1, NM_001407990.1, NM_007299.4 and 19 more transcripts); c.646+409A>G (NM_001408455.1, NM_001408466.1, NM_001408458.1 and 11 more transcripts); c.577+409A>G (NM_001408513.1, NM_001408492.1, NM_001408481.1 and 9 more transcripts); c.520+409A>G (NM_001408503.1, NM_001408505.1, NM_001408504.1); c.643+409A>G (NM_001408468.1, NM_001408470.1, NM_001408464.1 and 3 more transcripts); c.523+409A>G (NM_001408500.1, NM_001408501.1, NM_001408498.1 and 3 more transcripts); c.1196A>G, p.His399Arg (NM_001407585.1, NM_001407593.1, NM_001407594.1 and 30 more transcripts); and 40 more; short protein forms H399R, H352R, H103R, H272R, H310R, H332R, H231R, H287R.
Identifiers: ClinVar variation 136078 (VCV000136078.10), dbSNP rs587780794, ClinGen allele CA000787.